The following is an entry in ClinVar:

ClinVar aggregate classification (germline): Benign. Review status: criteria provided, multiple submitters, no conflicts (2 of 4 stars). 3 submissions from 3 submitters: Benign (2). 1 of the submissions does not count toward it. Last evaluated 2024-04-29.

Conditions:
KMT2C-related disorder. Also called: KMT2C-related condition; KMT2C-related disorders.

Allele frequency attached by ClinVar (database versions not stated): TOPMed 0.00008; gnomAD 0.00010; gnomAD exomes 0.00017; ExAC 0.00033; 1000 Genomes Project 0.00040; 1000 Genomes Project 30x 0.00062.
gnomAD v4.1: 260 of 1,611,390 alleles (0.016%); highest among the groups gnomAD compares: South Asian, 0.21%; 1 homozygote.

Submissions (3):

Labcorp Genetics (formerly Invitae), Labcorp
Classification: Benign. Last evaluated: 2024-04-29. Review status: criteria provided, single submitter. Criteria: Invitae Variant Classification Sherloc (09022015). Collection method: clinical testing. Allele origin: germline.

CeGaT Center for Human Genetics Tuebingen
Classification: Benign. Last evaluated: 2022-03-01. Review status: criteria provided, single submitter. Criteria: CeGaT Center For Human Genetics Tuebingen Variant Classification Criteria Version 2. Collection method: clinical testing. Allele origin: germline. Affected: yes. Observed: 1 variant allele.
Comment: KMT2C: BS1, BS2

PreventionGenetics, part of Exact Sciences
Classification: Likely benign for KMT2C-related condition. Last evaluated: 2021-07-06. Review status: no assertion criteria provided. Collection method: clinical testing. Allele origin: germline. Not counted in ClinVar's aggregate classification.
Comment: This variant is classified as likely benign based on ACMG/AMP sequence variant interpretation guidelines (Richards et al. 2015 PMID: 25741868, with internal and published modifications).

NM_170606.3(KMT2C):c.10040A>G (p.Asn3347Ser)

Gene: KMT2C (lysine methyltransferase 2C; minus strand). Cytogenetic location: 7q36.1.
Variant type: single nucleotide variant.
Coding change: c.10040A>G on transcript NM_170606.3 (MANE Select); coding-DNA position 10040, A replaced by G.
Protein change: p.Asn3347Ser; replaces asparagine 3347 with serine.
Molecular consequence: missense variant.
Genome position (GRCh38, 1-based): chr7:152,163,537, T>C on the plus strand (A>G on the coding strand, the complement: KMT2C is on the minus strand). VCF-style: chr7-152163537-T-C. GRCh37 (hg19) VCF-style: chr7-151860622-T-C.
Other names: c.10040A>G (NM_170606.2); short protein forms N3347S.
Identifiers: ClinVar variation 2174429 (VCV002174429.29), dbSNP rs536894778, ClinGen allele CA4579364.
Genomic context (GRCh38, chr7:152,163,537, plus strand): 5'-GGGGCTGGTGTACAAGTTTTTATTGGTAACTGGGCAATTGGGGGCTGAATTCTAGGAGGA[T>C]TGAGGGGCAGGTGGGCAGGAGCACTGTTGGGTTGCCATCCAGGTAAACTGGGCATTCTAA-3'
Protein context (NP_733751.2, residues 3337-3357): PNSAPAHLPL[Asn3347Ser]PPRIQPPIAQ